The following is an entry in ClinVar:

NM_001374736.1(DST):c.22959+1G>A

Gene: DST (dystonin; minus strand). Cytogenetic location: 6p12.1.
Variant type: single nucleotide variant.
Coding change: c.22959+1G>A on transcript NM_001374736.1 (MANE Select); the canonical splice donor site of the intron after coding-DNA position 22959, G replaced by A.
Molecular consequence: splice donor variant.
Genome position (GRCh38, 1-based): chr6:56,463,564, C>T on the plus strand (G>A on the coding strand, the complement: DST is on the minus strand). VCF-style: chr6-56463564-C-T. GRCh37 (hg19) VCF-style: chr6-56328362-C-T.
Other names: c.16530+1G>A (NM_001144769.5); c.22887+1G>A (NM_001374722.1); c.22914+1G>A (NM_001374734.1); c.16116+1G>A (NM_001144770.2); c.15741+1G>A (NM_001374730.1); c.15978+1G>A (NM_001386100.1); c.15996+1G>A (NM_183380.4); c.21999+1G>A (NM_001374729.1); and 1 more.
Identifiers: ClinVar variation 967051 (VCV000967051.10), dbSNP rs2094441686, ClinGen allele CA364504712.

ClinVar aggregate classification (germline): Likely pathogenic. Review status: criteria provided, multiple submitters, no conflicts (2 of 4 stars). 2 submissions from 2 submitters: Likely pathogenic (2). Last evaluated 2025-08-12.

Conditions:
Hereditary sensory and autonomic neuropathy type 6. Also called: Neuropathy, hereditary sensory and autonomic, type VI; HSAN VI. Identifiers: Orphanet 314381, MedGen C3539003, MONDO:0013839, OMIM 614653.
Epidermolysis bullosa simplex 3, localized or generalized intermediate, with BP230 deficiency (EBS3). Also called: Epidermolysis bullosa simplex, autosomal recessive 2; Epidermolysis bullosa simplex due to BP230 deficiency. Identifiers: Orphanet 412181, MedGen C3809470, MONDO:0014180, OMIM 615425.

Allele frequency attached by ClinVar (database versions not stated): gnomAD exomes below 0.00001.
gnomAD v4.1: 4 of 1,577,536 alleles (0.00025%); highest among the groups gnomAD compares: Non-Finnish European, 0.00034%; no homozygotes.

Submissions (2):

Labcorp Genetics (formerly Invitae), Labcorp
Classification: Likely pathogenic for Epidermolysis bullosa simplex 3, localized or generalized intermediate, with BP230 deficiency; Hereditary sensory and autonomic neuropathy type 6. Last evaluated: 2025-08-12. Review status: criteria provided, single submitter. Criteria: Invitae Variant Classification Sherloc (09022015). Collection method: clinical testing. Allele origin: germline.
Comment: The DST gene has multiple clinically relevant transcripts. This variant occurs in alternate transcript NM_015548.4, and corresponds to NM_001723.5:c.*151953G>A in the primary transcript. This sequence change affects a donor splice site in intron 81 of the DST gene. It is expected to disrupt RNA splicing. Variants that disrupt the donor or acceptor splice site typically lead to a loss of protein function (PMID: 16199547), and loss-of-function variants in DST are known to be pathogenic (PMID: 22522446, 25059916, 30371979). This variant is not present in population databases (gnomAD no frequency). This variant has not been reported in the literature in individuals affected with DST-related conditions. In summary, the currently available evidence indicates that the variant is pathogenic, but additional data are needed to prove that conclusively. Therefore, this variant has been classified as Likely Pathogenic.

GeneDx
Classification: Likely pathogenic. Last evaluated: 2024-09-04. Review status: criteria provided, single submitter. Criteria: GeneDx Variant Classification Process June 2021. Collection method: clinical testing. Allele origin: germline. Affected: yes.
Comment: Has not been previously published as pathogenic or benign to our knowledge; Not observed at significant frequency in large population cohorts (gnomAD); Reported using an alternate transcript (non-epithelial isoform) of the gene; Canonical splice site variant predicted to result in a null allele in a gene for which loss-of-function is a known mechanism of disease

Literature cited by the submitters: PubMed 16199547 (cited by Labcorp Genetics (formerly Invitae), Labcorp); PubMed 22522446 (cited by Labcorp Genetics (formerly Invitae), Labcorp); PubMed 25059916 (cited by Labcorp Genetics (formerly Invitae), Labcorp); PubMed 30371979 (cited by Labcorp Genetics (formerly Invitae), Labcorp).